The following is an entry in ClinVar:

ClinVar aggregate classification (germline): Uncertain significance (1 of 4 stars; one submission).

gnomAD v4.1: 21 of 1,612,992 alleles (0.0013%); highest among the groups gnomAD compares: Non-Finnish European, 0.0017%; no homozygotes.

Submission:

Labcorp Genetics (formerly Invitae), Labcorp
Classification: Uncertain significance. Last evaluated: 2024-03-01. Review status: criteria provided, single submitter. Criteria: Invitae Variant Classification Sherloc (09022015). Collection method: clinical testing. Allele origin: germline.
Comment: This sequence change replaces leucine, which is neutral and non-polar, with methionine, which is neutral and non-polar, at codon 335 of the ANGPTL3 protein (p.Leu335Met). This variant is not present in population databases (gnomAD no frequency). This variant has not been reported in the literature in individuals affected with ANGPTL3-related conditions. An algorithm developed to predict the effect of missense changes on protein structure and function (PolyPhen-2) suggests that this variant is likely to be disruptive. In summary, the available evidence is currently insufficient to determine the role of this variant in disease. Therefore, it has been classified as a Variant of Uncertain Significance.

NM_014495.4(ANGPTL3):c.1003T>A (p.Leu335Met)

Genes: ANGPTL3 (angiopoietin like 3; plus strand), DOCK7 (dedicator of cytokinesis 7; minus strand). Cytogenetic location: 1p31.3.
Variant type: single nucleotide variant.
Coding change: c.1003T>A on transcript NM_014495.4 (MANE Select); coding-DNA position 1003, T replaced by A.
Protein change: p.Leu335Met; replaces leucine 335 with methionine.
Molecular consequence: missense variant. On other transcripts: intron variant (7).
Genome position (GRCh38, 1-based): chr1:62,604,040, T>A. VCF-style: chr1-62604040-T-A. GRCh37 (hg19) VCF-style: chr1-63069711-T-A.
Other names: c.1682+14666A>T (NM_001272001.2, NM_001272000.2, NM_033407.4 and 4 more transcripts); short protein forms L335M.
Identifiers: ClinVar variation 3711787 (VCV003711787.2).